The following is an entry in ClinVar:

ClinVar aggregate classification (germline): Uncertain significance (1 of 4 stars; one submission).

Submission:

GeneDx
Classification: Uncertain significance. Last evaluated: 2025-05-01. Review status: criteria provided, single submitter. Criteria: GeneDx Variant Classification Process June 2021. Collection method: clinical testing. Allele origin: germline. Affected: yes.
Comment: Not observed at significant frequency in large population cohorts (gnomAD); In silico analysis suggests that this missense variant does not alter protein structure/function; Has not been previously published as pathogenic or benign to our knowledge

NM_000368.5(TSC1):c.1386T>G (p.Phe462Leu)

Gene: TSC1 (TSC complex subunit 1; minus strand). Cytogenetic location: 9q34.13.
Variant type: single nucleotide variant.
Coding change: c.1386T>G on transcript NM_000368.5 (MANE Select); coding-DNA position 1386, T replaced by G.
Protein change: p.Phe462Leu; replaces phenylalanine 462 with leucine.
Molecular consequence: missense variant. On other transcripts: non-coding transcript variant (5).
Genome position (GRCh38, 1-based): chr9:132,906,783, A>C on the plus strand (T>G on the coding strand, the complement: TSC1 is on the minus strand). VCF-style: chr9-132906783-A-C. GRCh37 (hg19) VCF-style: chr9-135782170-A-C.
Other names: c.1383T>G, p.Phe461Leu (NM_001162426.2, NM_001406608.1, NM_001406609.1 and 6 more transcripts); c.1233T>G, p.Phe411Leu (NM_001162427.2, NM_001406610.1); c.1023T>G, p.Phe341Leu (NM_001362177.2, NM_001406614.1, NM_001406615.1 and 5 more transcripts); c.1386T>G, p.Phe462Leu (NM_001406592.1, NM_001406593.1, NM_001406594.1 and 7 more transcripts); c.1230T>G, p.Phe410Leu (NM_001406611.1, NM_001406612.1, NM_001406613.1); c.435T>G, p.Phe145Leu (NM_001406626.1); c.432T>G, p.Phe144Leu (NM_001406627.1, NM_001406628.1); c.333T>G, p.Phe111Leu (NM_001406629.1, NM_001406630.1); and 1 more; short protein forms F111L, F144L, F145L, F340L, F341L, F410L, F411L, F461L.
Identifiers: ClinVar variation 4527431 (VCV004527431.1).